The following is an entry in ClinVar:

NM_001365276.2(TNXB):c.9305A>G (p.Lys3102Arg)

Gene: TNXB (tenascin XB; minus strand). Cytogenetic location: 6p21.33.
Variant type: single nucleotide variant.
Coding change: c.9305A>G on transcript NM_001365276.2 (MANE Select); coding-DNA position 9305, A replaced by G.
Protein change: p.Lys3102Arg; replaces lysine 3102 with arginine.
Molecular consequence: missense variant.
Genome position (GRCh38, 1-based): chr6:32,050,132, T>C on the plus strand (A>G on the coding strand, the complement: TNXB is on the minus strand). VCF-style: chr6-32050132-T-C. GRCh37 (hg19) VCF-style: chr6-32017909-T-C.
Other names: p.Lys3100Arg; c.10046A>G, p.Lys3349Arg (NM_001428335.1); c.9299A>G, p.Lys3100Arg (NM_019105.8); short protein forms K3100R, K3102R, K3349R.
Identifiers: ClinVar variation 4541134 (VCV004541134.1).

ClinVar aggregate classification (germline): Uncertain significance (1 of 4 stars; one submission).

Submission:

Mayo Clinic Laboratories, Mayo Clinic
Classification: Uncertain significance. Last evaluated: 2025-11-06. Review status: criteria provided, single submitter. Criteria: ACMG Guidelines, 2015. Collection method: clinical testing. Allele origin: germline. Observed: 1 variant allele.
Comment: BP4_moderate